The following is an entry in ClinVar:

ClinVar aggregate classification (germline): Conflicting classifications of pathogenicity. Review status: criteria provided, conflicting classifications (1 of 4 stars). 5 submissions from 5 submitters: Uncertain significance (3); Likely benign (2). Last evaluated 2026-05-19.

Conditions:
STRC-related disorder. Also called: STRC-related condition.
Monogenic hearing loss.

Allele frequency attached by ClinVar (database versions not stated): gnomAD exomes 0.00005; ESP Exome Variant Server 0.00023; ExAC 0.00114.

Submissions (5):

GeneDx
Classification: Uncertain significance. Last evaluated: 2026-05-19. Review status: criteria provided, single submitter. Criteria: GeneDx Variant Classification Process June 2021. Collection method: clinical testing. Allele origin: germline.
Comment: Reported in a patient with bilateral sensorineural hearing loss in the published literature; however, V1635F was reported in cis with other STRC variants (PMID: 36086952); In silico analysis suggests that this missense variant does not alter protein structure/function; This variant is associated with the following publications: (PMID: 36086952)

PreventionGenetics, part of Exact Sciences
Classification: Uncertain significance for STRC-related condition. Last evaluated: 2026-04-23. Review status: criteria provided, single submitter. Criteria: ACMG Guidelines, 2015. Collection method: clinical testing. Allele origin: germline.
Comment: The STRC c.4903G>T variant is predicted to result in the amino acid substitution p.Val1635Phe. This variant in exon 26 of the STRC gene corresponds to a known STRCP1 pseudogene variant. To our knowledge, this variant has not been reported in the literature. This variant is reported in 0.028% of alleles in individuals of African descent in gnomAD. At this time, the clinical significance of this variant is uncertain due to the absence of conclusive functional and genetic evidence.

Genetics Laboratory, Great Ormond Street Hospital NHS Foundation Trust, North Thames Genomic Laboratory Hub
Classification: Uncertain significance for Monogenic hearing loss. Last evaluated: 2026-03-18. Review status: criteria provided, single submitter. Criteria: ACGS Best Practice Guidelines for Variant Classification in Rare Disease 2024 v1.2. Collection method: clinical testing. Allele origin: germline. Affected: yes.
Comment: PM2_supporting, BP4_supporting, PM3_strong

Laboratory for Molecular Medicine, Mass General Brigham Personalized Medicine
Classification: Likely benign. Last evaluated: 2015-06-16. Review status: criteria provided, single submitter. Criteria: LMM Criteria. Collection method: clinical testing. Allele origin: germline. Observed: 1 variant allele.
Comment: p.Val1635Phe in exon 26 of STRC: This variant is not expected to have clinical s ignificance it has been identified in 0.41% (67/16332) of South Asian chromosome s by the Exome Aggregation Consortium (ExAC; dbS NP rs2915791).

Breakthrough Genomics
Classification: Likely benign. Review status: criteria provided, single submitter. Criteria: ACMG Guidelines, 2015. Collection method: not provided. Allele origin: germline. Inheritance: Autosomal recessive inheritance. Affected: yes.

NM_153700.2(STRC):c.4903G>T (p.Val1635Phe)

Gene: STRC (stereocilin; minus strand). Cytogenetic location: 15q15.3.
Variant type: single nucleotide variant.
Coding change: c.4903G>T on transcript NM_153700.2 (MANE Select); coding-DNA position 4903, G replaced by T.
Protein change: p.Val1635Phe; replaces valine 1635 with phenylalanine.
Molecular consequence: missense variant.
Genome position (GRCh38, 1-based): chr15:43,600,624, C>A on the plus strand (G>T on the coding strand, the complement: STRC is on the minus strand). VCF-style: chr15-43600624-C-A. GRCh37 (hg19) VCF-style: chr15-43892822-C-A.
Other names: short protein forms V1635F.
Identifiers: ClinVar variation 227972 (VCV000227972.12), dbSNP rs2915791, ClinGen allele CA7527843.
Genomic context (GRCh38, chr15:43,600,624, plus strand): 5'-CAGGCCCCCAGTTACTGATTGGGCCAAACCCACCAGGCAGTACAAGTAGGTGGGCCAGAA[C>A]CTCCAGTTGTTCCTCAGAGCACTGGAGATGCAGGGTGCCGAGGAAGAGAGCTGCTTGGCT-3'
Protein context (NP_714544.1, residues 1625-1645): HLQCSEEQLE[Val1635Phe]LAHLLVLPGG